The following is an entry in ClinVar:

NM_000284.4(PDHA1):c.1006_1008dup (p.Lys336_Glu337insLys)

Gene: PDHA1 (pyruvate dehydrogenase E1 subunit alpha 1; plus strand). Cytogenetic location: Xp22.12.
Variant type: Duplication.
Coding change: c.1006_1008dup on transcript NM_000284.4 (MANE Select); coding-DNA positions 1006 to 1008, 3 bases duplicated (AAG; older notation c.1006_1008dupAAG).
Protein change: p.Lys336_Glu337insLys.
Molecular consequence: inframe insertion.
Genome position (GRCh38, 1-based): chrX:19,359,022-19,359,024, AAG duplicated. VCF-style (leftmost placement, unchanged base first): chrX-19359021-A-AAAG. GRCh37 (hg19) VCF-style: chrX-19377139-A-AAAG.
Other names: c.1120_1122dup, p.Lys374_Glu375insLys (NM_001173454.2); c.1027_1029dup, p.Lys343_Glu344insLys (NM_001173455.2); c.913_915dup, p.Lys305_Glu306insLys (NM_001173456.2).
Identifiers: ClinVar variation 4070422 (VCV004070422.1).

ClinVar aggregate classification (germline): Pathogenic (0 of 4 stars; one submission).

Conditions:
Pyruvate dehydrogenase E1-alpha deficiency (PDHAD). Also called: ATAXIA, INTERMITTENT, WITH PYRUVATE DEHYDROGENASE DEFICIENCY; ATAXIA WITH LACTIC ACIDOSIS I; ATAXIA, INTERMITTENT, WITH ABNORMAL PYRUVATE METABOLISM; Ataxia, intermittent, with pyruvate dehydrogenase, or decarboxylase, deficiency. Identifiers: Orphanet 79243, MedGen C1839413, MONDO:0010717, OMIM 312170.

Submission:

PDHA1 Study Group, University Children’s Hospital, Paracelsus Medical University
Classification: Pathogenic for Pyruvate dehydrogenase E1-alpha deficiency. Last evaluated: 2024-10-15. Review status: no assertion criteria provided. Collection method: research. Allele origin: de novo. Affected: yes. Observed: 1 variant allele.
Comment: The NM_000284.3:c.1006_1008dup (p.Lys336dup) change is a deletion-insertion (delins) variant in PDHA1 gene. Among them, 1 case had confirmed de novo occurrence. Last literature search: July 12, 2024. This variant is absent or extremely rare in population-based cohorts in the Genome Aggregation Database (gnomAD). Individuals harboring this variant presented with clinical features compatible with PDHA1-related PDHc deficiency. In summary, this variant meets criteria to be classified as pathogenic (P) for PDHA1-related PDHc deficiency based on the ACMG/AMP criteria applied: PS2, PM2, PM4, PM7 (last assessment October 15, 2024).

Literature cited by the submitters: DOI 10.1093/brain/awaf430.